The following is an entry in ClinVar:

NM_001082971.2(DDC):c.476_479dup (p.Thr161fs)

Gene: DDC (dopa decarboxylase; minus strand). Cytogenetic location: 7p12.1.
Variant type: Duplication.
Coding change: c.476_479dup on transcript NM_001082971.2 (MANE Select); coding-DNA positions 476 to 479, 4 bases duplicated (CTCG; older notation c.476_479dupCTCG).
Protein change: p.Thr161fs; shifts the reading frame from threonine 161.
Molecular consequence: frameshift variant. On other transcripts: intron variant (1).
Genome position (GRCh38, 1-based): chr7:50,529,299-50,529,302, CGAG duplicated on the plus strand (CTCG on the coding strand, the reverse complement: DDC is on the minus strand); duplicating any 4 consecutive bases within chr7:50,529,299-50,529,304 gives the same sequence; the c. name uses the placement nearest the transcript's 3' end. VCF-style (leftmost placement, unchanged base first): chr7-50529298-C-CCGAG. GRCh37 (hg19) VCF-style: chr7-50596996-C-CCGAG.
Other names: c.476_479dup, p.Thr161fs (NM_000790.4, NM_001242887.2, NM_001242890.2); c.362_365dup, p.Thr123fs (NM_001242886.2); c.242_245dup, p.Thr83fs (NM_001242888.2); c.435+8558_435+8561dup (NM_001242889.2); short protein forms T161fs, T83fs, T123fs.
Identifiers: ClinVar variation 4719281 (VCV004719281.1).

ClinVar aggregate classification (germline): Pathogenic (1 of 4 stars; one submission).

Conditions:
Deficiency of aromatic-L-amino-acid decarboxylase. Also called: Aromatic amino acid decarboxylase deficiency; AADC DEFICIENCY; DDC DEFICIENCY; DOPA DECARBOXYLASE DEFICIENCY; Aromatic L-Amino Acid Decarboxylase Deficiency. Identifiers: Orphanet 35708, MedGen C1291564, MONDO:0012084, OMIM 608643.

Submission:

Labcorp Genetics (formerly Invitae), Labcorp
Classification: Pathogenic for Deficiency of aromatic-L-amino-acid decarboxylase. Last evaluated: 2025-05-10. Review status: criteria provided, single submitter. Criteria: Invitae Variant Classification Sherloc (09022015). Collection method: clinical testing. Allele origin: germline.
Comment: This sequence change creates a premature translational stop signal (p.Thr161Serfs*93) in the DDC gene. It is expected to result in an absent or disrupted protein product. Loss-of-function variants in DDC are known to be pathogenic (PMID: 15079002, 24788355). This variant is not present in population databases (gnomAD no frequency). This variant has not been reported in the literature in individuals affected with DDC-related conditions. For these reasons, this variant has been classified as Pathogenic.

Literature cited by the submitters: PubMed 15079002; PubMed 24788355.